The following is an entry in ClinVar:

ClinVar aggregate classification (germline): Pathogenic (1 of 4 stars; one submission).

Allele frequency attached by ClinVar (database versions not stated): gnomAD exomes below 0.00001; TOPMed below 0.00001; gnomAD 0.00001; 1000 Genomes Project 0.00020; 1000 Genomes Project 30x 0.00016.
gnomAD v4.1: 4 of 1,614,058 alleles (0.00025%); highest among the groups gnomAD compares: East Asian, 0.0022%; no homozygotes.

Submission:

GeneDx
Classification: Pathogenic. Last evaluated: 2019-04-12. Review status: criteria provided, single submitter. Criteria: GeneDx Variant Classification Process June 2021. Collection method: clinical testing. Allele origin: germline. Affected: yes.
Comment: Nonsense variant predicted to result in protein truncation or nonsense mediated decay in a gene for which loss-of-function is a known mechanism of disease; Not observed in large population cohorts (Lek et al., 2016); Has not been previously published as pathogenic or benign to our knowledge

NM_206933.4(USH2A):c.13381G>T (p.Glu4461Ter)

Gene: USH2A (usherin; minus strand). Cytogenetic location: 1q41.
Variant type: single nucleotide variant.
Coding change: c.13381G>T on transcript NM_206933.4 (MANE Select); coding-DNA position 13381, G replaced by T.
Protein change: p.Glu4461Ter; replaces glutamic acid 4461 with a stop codon.
Molecular consequence: nonsense.
Genome position (GRCh38, 1-based): chr1:215,674,530, C>A on the plus strand (G>T on the coding strand, the complement: USH2A is on the minus strand). VCF-style: chr1-215674530-C-A. GRCh37 (hg19) VCF-style: chr1-215847872-C-A.
Other names: short protein forms E4461*.
Identifiers: ClinVar variation 1201666 (VCV001201666.3), dbSNP rs553833861, ClinGen allele CA37412494.